The following is an entry in ClinVar:

NM_000535.7(PMS2):c.1028T>A (p.Ile343Asn)

Gene: PMS2 (PMS1 homolog 2, mismatch repair system component; minus strand). Cytogenetic location: 7p22.1.
Variant type: single nucleotide variant.
Coding change: c.1028T>A on transcript NM_000535.7 (MANE Select); coding-DNA position 1028, T replaced by A.
Protein change: p.Ile343Asn; replaces isoleucine 343 with asparagine.
Molecular consequence: missense variant. On other transcripts: intron variant (10), non-coding transcript variant (1).
Genome position (GRCh38, 1-based): chr7:5,989,916, A>T on the plus strand (T>A on the coding strand, the complement: PMS2 is on the minus strand). VCF-style: chr7-5989916-A-T. GRCh37 (hg19) VCF-style: chr7-6029547-A-T.
Other names: c.670+2057T>A (NM_001406901.1, NM_001406902.1); c.679+2057T>A (NM_001406900.1); c.583+2057T>A (NM_001406907.1, NM_001322010.2, NM_001406906.1); c.820+2057T>A (NM_001406884.1); c.804-6925T>A (NM_001406912.1); c.988+2057T>A (NM_001322006.2, NM_001406870.1); c.623T>A, p.Ile208Asn (NM_001322003.2, NM_001322004.2, NM_001322005.2 and 16 more transcripts); c.710T>A, p.Ile237Asn (NM_001322007.2, NM_001322008.2, NM_001406876.1 and 2 more transcripts); and 13 more; short protein forms I152N, I172N, I208N, I221N, I231N, I237N, I240N, I277N.
Identifiers: ClinVar variation 4756356 (VCV004756356.1).

ClinVar aggregate classification (germline): Uncertain significance (1 of 4 stars; one submission).

Conditions:
Hereditary cancer-predisposing syndrome. Also called: Tumor predisposition; Hereditary Cancer Syndrome; Neoplastic Syndromes, Hereditary; Hereditary neoplastic syndrome. Identifiers: Orphanet 140162, MedGen C0027672, MeSH D009386, MONDO:0015356.

Submission:

Color Diagnostics, LLC DBA Color Health
Classification: Uncertain significance for Hereditary cancer-predisposing syndrome. Last evaluated: 2025-12-15. Review status: criteria provided, single submitter. Criteria: ACMG Guidelines, 2015. Collection method: clinical testing. Allele origin: germline.
Comment: This missense variant replaces isoleucine with asparagine at codon 343 of the PMS2 protein. Computational prediction suggests that this variant may have deleterious impact on protein structure and function. To our knowledge, functional studies have not been reported for this variant. This variant has not been reported in individuals affected with PMS2-related disorders in the literature. This variant has not been identified in the general population by the Genome Aggregation Database (gnomAD). The available evidence is insufficient to determine the role of this variant in disease conclusively. Therefore, this variant is classified as a Variant of Uncertain Significance.